The following is an entry in ClinVar:

NM_001378457.1(DMXL2):c.5217G>A (p.Glu1739=)

Gene: DMXL2 (Dmx like 2; minus strand). Cytogenetic location: 15q21.2.
Variant type: single nucleotide variant.
Coding change: c.5217G>A on transcript NM_001378457.1 (MANE Select); coding-DNA position 5217, G replaced by A.
Protein change: p.Glu1739=; no amino-acid change (glutamic acid 1739 retained).
Molecular consequence: synonymous variant. On other transcripts: non-coding transcript variant (2).
Genome position (GRCh38, 1-based): chr15:51,487,954, C>T on the plus strand (G>A on the coding strand, the complement: DMXL2 is on the minus strand). VCF-style: chr15-51487954-C-T. GRCh37 (hg19) VCF-style: chr15-51780151-C-T.
Other names: c.5217G>A, p.Glu1739= (NM_001378462.1, NM_001378463.1, NM_015263.5 and 4 more transcripts); c.4977G>A, p.Glu1659= (NM_001378464.1); c.3309G>A, p.Glu1103= (NM_001174117.3); c.3198G>A, p.Glu1066= (NM_001378460.1).
Identifiers: ClinVar variation 1945434 (VCV001945434.5), dbSNP rs1316758621, ClinGen allele CA490365896.

ClinVar aggregate classification (germline): Uncertain significance (1 of 4 stars; one submission).

Allele frequency attached by ClinVar (database versions not stated): gnomAD exomes below 0.00001; TOPMed 0.00001.
gnomAD v4.1: 1 of 1,603,202 alleles (0.000062%); highest among the groups gnomAD compares: East Asian, 0.0022%; no homozygotes.

Submission:

Labcorp Genetics (formerly Invitae), Labcorp
Classification: Uncertain significance. Last evaluated: 2023-11-27. Review status: criteria provided, single submitter. Criteria: Invitae Variant Classification Sherloc (09022015). Collection method: clinical testing. Allele origin: germline.
Comment: This sequence change affects codon 1739 of the DMXL2 mRNA. It is a 'silent' change, meaning that it does not change the encoded amino acid sequence of the DMXL2 protein. This variant also falls at the last nucleotide of exon 22, which is part of the consensus splice site for this exon. This variant is present in population databases (no rsID available, gnomAD 0.006%). This variant has not been reported in the literature in individuals affected with DMXL2-related conditions. ClinVar contains an entry for this variant (Variation ID: 1945434). Variants that disrupt the consensus splice site are a relatively common cause of aberrant splicing (PMID: 17576681, 9536098). Algorithms developed to predict the effect of sequence changes on RNA splicing suggest that this variant may disrupt the consensus splice site. In summary, the available evidence is currently insufficient to determine the role of this variant in disease. Therefore, it has been classified as a Variant of Uncertain Significance.

Literature cited by the submitters: PubMed 17576681; PubMed 9536098.